The following is an entry in ClinVar:

ClinVar aggregate classification (germline): Uncertain significance. Review status: criteria provided, multiple submitters, no conflicts (2 of 4 stars). 2 submissions from 2 submitters: Uncertain significance (2). Last evaluated 2026-03-29.

Conditions:
Hereditary cancer-predisposing syndrome. Also called: Tumor predisposition; Neoplastic Syndromes, Hereditary; Hereditary neoplastic syndrome; Hereditary Cancer Syndrome. Identifiers: Orphanet 140162, MedGen C0027672, MeSH D009386, MONDO:0015356.
Neuroblastoma, susceptibility to, 3. Also called: ALK-Related Neuroblastic Tumor Susceptibility. Identifiers: Orphanet 635, MedGen C2751681, MONDO:0013083, OMIM 613014.

Allele frequency attached by ClinVar (database versions not stated): gnomAD 0.00001; gnomAD exomes below 0.00001; TOPMed below 0.00001.
gnomAD v4.1: 2 of 1,614,022 alleles (0.00012%); highest among the groups gnomAD compares: South Asian, 0.0011%; no homozygotes.

Submissions (2):

Ambry Genetics
Classification: Uncertain significance for Hereditary cancer-predisposing syndrome. Last evaluated: 2026-03-29. Review status: criteria provided, single submitter. Criteria: Ambry Variant Classification Scheme 2023. Collection method: clinical testing. Allele origin: germline.
Comment: The p.S229L variant (also known as c.686C>T), located in coding exon 2 of the ALK gene, results from a C to T substitution at nucleotide position 686. The serine at codon 229 is replaced by leucine, an amino acid with dissimilar properties. This amino acid position is conserved. In addition, this alteration is predicted to be tolerated by in silico analysis. Based on the available evidence, the clinical significance of this variant remains unclear.

Labcorp Genetics (formerly Invitae), Labcorp
Classification: Uncertain significance for Neuroblastoma, susceptibility to, 3. Last evaluated: 2022-02-27. Review status: criteria provided, single submitter. Criteria: Invitae Variant Classification Sherloc (09022015). Collection method: clinical testing. Allele origin: germline.
Comment: This variant has not been reported in the literature in individuals affected with ALK-related conditions. This sequence change replaces serine, which is neutral and polar, with leucine, which is neutral and non-polar, at codon 229 of the ALK protein (p.Ser229Leu). This variant is not present in population databases (gnomAD no frequency). ClinVar contains an entry for this variant (Variation ID: 839698). Algorithms developed to predict the effect of missense changes on protein structure and function are either unavailable or do not agree on the potential impact of this missense change (SIFT: "Deleterious"; PolyPhen-2: "Benign"; Align-GVGD: "Class C0"). In summary, the available evidence is currently insufficient to determine the role of this variant in disease. Therefore, it has been classified as a Variant of Uncertain Significance.

NM_004304.5(ALK):c.686C>T (p.Ser229Leu)

Gene: ALK (ALK receptor tyrosine kinase; minus strand). Cytogenetic location: 2p23.2.
Variant type: single nucleotide variant.
Coding change: c.686C>T on transcript NM_004304.5 (MANE Select); coding-DNA position 686, C replaced by T.
Protein change: p.Ser229Leu; replaces serine 229 with leucine.
Molecular consequence: missense variant.
Genome position (GRCh38, 1-based): chr2:29,717,679, G>A on the plus strand (C>T on the coding strand, the complement: ALK is on the minus strand). VCF-style: chr2-29717679-G-A. GRCh37 (hg19) VCF-style: chr2-29940545-G-A.
Other names: short protein forms S229L.
Identifiers: ClinVar variation 839698 (VCV000839698.10), dbSNP rs1447260360, ClinGen allele CA346587815.